The following is an entry in ClinVar:

ClinVar aggregate classification (germline): Pathogenic (1 of 4 stars; one submission).

Allele frequency attached by ClinVar (database versions not stated): gnomAD exomes below 0.00001.
gnomAD v4.1: 1 of 1,613,042 alleles (0.000062%); highest among the groups gnomAD compares: South Asian, 0.0011%; no homozygotes.

Submission:

GeneDx
Classification: Pathogenic. Last evaluated: 2022-08-11. Review status: criteria provided, single submitter. Criteria: GeneDx Variant Classification Process June 2021. Collection method: clinical testing. Allele origin: germline. Affected: yes.
Comment: Nonsense variant predicted to result in protein truncation or nonsense mediated decay in a gene for which loss of function is a known mechanism of disease; Not observed at significant frequency in large population cohorts (gnomAD); This variant is associated with the following publications: (PMID: 25208612, 23266196, 29682452)

NM_018238.4(AGK):c.979A>T (p.Lys327Ter)

Gene: AGK (acylglycerol kinase; plus strand). Cytogenetic location: 7q34.
Variant type: single nucleotide variant.
Coding change: c.979A>T on transcript NM_018238.4 (MANE Select); coding-DNA position 979, A replaced by T.
Protein change: p.Lys327Ter; replaces lysine 327 with a stop codon.
Molecular consequence: nonsense.
Genome position (GRCh38, 1-based): chr7:141,649,266, A>T. VCF-style: chr7-141649266-A-T. GRCh37 (hg19) VCF-style: chr7-141349066-A-T.
Other names: c.979A>T, p.Lys327Ter (NM_001364948.3); short protein forms K327*.
Identifiers: ClinVar variation 1700787 (VCV001700787.2), dbSNP rs2117028700, ClinGen allele CA369540794.